The following is an entry in ClinVar:

ClinVar aggregate classification (germline): Benign/Likely benign. Review status: criteria provided, multiple submitters, no conflicts (2 of 4 stars). 2 submissions from 2 submitters: Benign (1); Likely benign (1). Last evaluated 2024-04-25.

Conditions:
Familial cancer of breast. Also called: hereditary breast carcinoma; BREAST CANCER, FAMILIAL; Hereditary breast cancer. Identifiers: Orphanet 227535, MedGen C0346153, MONDO:0016419, OMIM 114480. Disease mechanism: loss of function.
Ataxia-telangiectasia syndrome (AT). Also called: ATAXIA-TELANGIECTASIA, COMPLEMENTATION GROUP A; ATAXIA-TELANGIECTASIA, FRESNO VARIANT; Ataxia-telangiectasia, complementation group E; Ataxia telangiectasia (A-T); Ataxia-telangiectasia, complementation group D; AT, COMPLEMENTATION GROUP C. Identifiers: Orphanet 100, MedGen C0004135, MONDO:0008840, OMIM 208900.

Submissions (2):

Myriad Genetics, Inc.
Classification: Benign for Familial cancer of breast. Last evaluated: 2024-04-25. Review status: criteria provided, single submitter. Criteria: Myriad Autosomal Dominant, Autosomal Recessive and X-Linked Classification Criteria (2023). Collection method: clinical testing. Allele origin: unknown.
Comment: This variant is considered benign. This variant is a silent/synonymous amino acid change and it is not expected to impact splicing.

Labcorp Genetics (formerly Invitae), Labcorp
Classification: Likely benign for Ataxia-telangiectasia syndrome. Last evaluated: 2022-01-19. Review status: criteria provided, single submitter. Criteria: Invitae Variant Classification Sherloc (09022015). Collection method: clinical testing. Allele origin: germline.

NM_000051.4(ATM):c.1140C>T (p.Tyr380=)

Gene: ATM (ATM serine/threonine kinase; plus strand). Cytogenetic location: 11q22.3.
Variant type: single nucleotide variant.
Coding change: c.1140C>T on transcript NM_000051.4 (MANE Select); coding-DNA position 1140, C replaced by T.
Protein change: p.Tyr380=; no amino-acid change (tyrosine 380 retained).
Molecular consequence: synonymous variant.
Genome position (GRCh38, 1-based): chr11:108,249,007, C>T. VCF-style: chr11-108249007-C-T. GRCh37 (hg19) VCF-style: chr11-108119734-C-T.
Other names: c.1140C>T, p.Tyr380= (NM_001351834.2).
Identifiers: ClinVar variation 1657268 (VCV001657268.9), dbSNP rs2135292742, ClinGen allele CA476671715.
Genomic context (GRCh38, chr11:108,249,007, plus strand): 5'-TACCAGATCCTTGGAGATTTCTCAATCTTACACTACTACACAAAGAGAATCTAGTGATTA[C>T]AGTGTCCCTTGCAAAAGGAAGAAAATAGAACTAGGCTGGGAAGTAATAAAAGATCACCTT-3'
Protein context (NP_000042.3, residues 370-390): YTTTQRESSD[Tyr380=]SVPCKRKKIE